The following is an entry in ClinVar:

NM_001130438.3(SPTAN1):c.1807-3C>T

Gene: SPTAN1 (spectrin alpha, non-erythrocytic 1; plus strand). Cytogenetic location: 9q34.11.
Variant type: single nucleotide variant.
Coding change: c.1807-3C>T on transcript NM_001130438.3 (MANE Select); 3 bases into the intron before coding-DNA position 1807, C replaced by T.
Molecular consequence: intron variant.
Genome position (GRCh38, 1-based): chr9:128,583,074, C>T. VCF-style: chr9-128583074-C-T. GRCh37 (hg19) VCF-style: chr9-131345353-C-T.
Other names: c.1843-3C>T (NM_001375318.1, NM_001375312.2); c.1807-3C>T (NM_001375311.2, NM_001375314.2, NM_001375310.1 and 5 more transcripts).
Identifiers: ClinVar variation 1041917 (VCV001041917.8), dbSNP rs571532593, ClinGen allele CA5264526.
Genomic context (GRCh38, chr9:128,583,074, plus strand): 5'-AGTGCAAGGGAACTTGACGTTCTCAGGTTCAAGATAGAAAGAACCCCCTTCTTTTATTCA[C>T]AGGATCCATCCAACCTACAAGGAAAAGTACAGAAGCATCAGGCTTTTGAGGCTGAGCTCT-3'

ClinVar aggregate classification (germline): Uncertain significance (1 of 4 stars; one submission).

Conditions:
Early-infantile DEE. Also called: Ohtahara syndrome; Early infantile epileptic encephalopathy with suppression bursts; Early infantile epileptic encephalopathy. Identifiers: Orphanet 1934, MedGen C0393706, MONDO:0800491.

Allele frequency attached by ClinVar (database versions not stated): gnomAD exomes below 0.00001 and 0.00001; ExAC 0.00001; gnomAD 0.00001; 1000 Genomes Project 30x 0.00016; 1000 Genomes Project 0.00020.
gnomAD v4.1: 5 of 1,614,048 alleles (0.00031%); highest among the groups gnomAD compares: Admixed American, 0.005%; no homozygotes.

Submission:

Labcorp Genetics (formerly Invitae), Labcorp
Classification: Uncertain significance for Early-infantile DEE. Last evaluated: 2024-07-22. Review status: criteria provided, single submitter. Criteria: Invitae Variant Classification Sherloc (09022015). Collection method: clinical testing. Allele origin: germline.
Comment: This sequence change falls in intron 14 of the SPTAN1 gene. It does not directly change the encoded amino acid sequence of the SPTAN1 protein. It affects a nucleotide within the consensus splice site. This variant is present in population databases (rs571532593, gnomAD 0.0009%). This variant has not been reported in the literature in individuals affected with SPTAN1-related conditions. ClinVar contains an entry for this variant (Variation ID: 1041917). Variants that disrupt the consensus splice site are a relatively common cause of aberrant splicing (PMID: 17576681, 9536098). Algorithms developed to predict the effect of sequence changes on RNA splicing suggest that this variant is not likely to affect RNA splicing. In summary, the available evidence is currently insufficient to determine the role of this variant in disease. Therefore, it has been classified as a Variant of Uncertain Significance.

Literature cited by the submitters: PubMed 17576681; PubMed 9536098.